The following is an entry in ClinVar:

NM_001165963.4(SCN1A):c.3706-2A>T

Genes: SCN1A (sodium voltage-gated channel alpha subunit 1; minus strand), LOC102724058 (uncharacterized LOC102724058; plus strand). Cytogenetic location: 2q24.3.
Variant type: single nucleotide variant.
Coding change: c.3706-2A>T on transcript NM_001165963.4 (MANE Select); the canonical splice acceptor site of the intron before coding-DNA position 3706, A replaced by T.
Molecular consequence: splice acceptor variant.
Genome position (GRCh38, 1-based): chr2:166,012,284, T>A on the plus strand (A>T on the coding strand, the complement: SCN1A is on the minus strand). VCF-style: chr2-166012284-T-A. GRCh37 (hg19) VCF-style: chr2-166868794-T-A.
Other names: c.3673-2A>T (NM_001353949.2, NM_001353950.2, NM_001353951.2 and 2 more transcripts); c.3622-2A>T (NM_001353958.2, NM_001353957.2, NM_001165964.3); c.3706-2A>T (NM_001202435.3, NM_001353948.2); c.3670-2A>T (NM_001353955.2, NM_001353954.2); c.3619-2A>T (NM_001353960.2); c.1264-2A>T (NM_001353961.2).
Identifiers: ClinVar variation 850217 (VCV000850217.13), dbSNP rs1692586274, ClinGen allele CA349054715.

ClinVar aggregate classification (germline): Pathogenic (1 of 4 stars; one submission).

Conditions:
Early-infantile DEE. Also called: Ohtahara syndrome; Early infantile epileptic encephalopathy with suppression bursts; Early infantile epileptic encephalopathy. Identifiers: Orphanet 1934, MedGen C0393706, MONDO:0800491.

Submission:

Labcorp Genetics (formerly Invitae), Labcorp
Classification: Pathogenic for Early-infantile DEE. Last evaluated: 2022-07-11. Review status: criteria provided, single submitter. Criteria: Invitae Variant Classification Sherloc (09022015). Collection method: clinical testing. Allele origin: germline.
Comment: ClinVar contains an entry for this variant (Variation ID: 850217). For these reasons, this variant has been classified as Pathogenic. Algorithms developed to predict the effect of sequence changes on RNA splicing suggest that this variant may disrupt the consensus splice site. Disruption of this splice site has been observed in individual(s) with Dravet syndrome (PMID: 19763161). This variant is not present in population databases (gnomAD no frequency). This sequence change affects an acceptor splice site in intron 18 of the SCN1A gene. It is expected to disrupt RNA splicing. Variants that disrupt the donor or acceptor splice site typically lead to a loss of protein function (PMID: 16199547), and loss-of-function variants in SCN1A are known to be pathogenic (PMID: 17347258, 18930999).

Literature cited by the submitters: PubMed 19763161; PubMed 16199547; PubMed 17347258; PubMed 18930999.